The following is an entry in ClinVar:

NM_001854.4(COL11A1):c.4508C>G (p.Pro1503Arg)

Gene: COL11A1 (collagen type XI alpha 1 chain; minus strand). Cytogenetic location: 1p21.1.
Variant type: single nucleotide variant.
Coding change: c.4508C>G on transcript NM_001854.4 (MANE Select); coding-DNA position 4508, C replaced by G.
Protein change: p.Pro1503Arg; replaces proline 1503 with arginine.
Molecular consequence: missense variant. On other transcripts: non-coding transcript variant (1).
Genome position (GRCh38, 1-based): chr1:102,888,876, G>C on the plus strand (C>G on the coding strand, the complement: COL11A1 is on the minus strand). VCF-style: chr1-102888876-G-C. GRCh37 (hg19) VCF-style: chr1-103354432-G-C.
Other names: c.4160C>G, p.Pro1387Arg (NM_001168249.1, NM_080630.4); c.4391C>G, p.Pro1464Arg (NM_001190709.2); c.4544C>G, p.Pro1515Arg (NM_080629.3); short protein forms P1387R, P1515R, P1503R, P1464R.
Identifiers: ClinVar variation 2216722 (VCV002216722.6), dbSNP rs528529875, ClinGen allele CA973505.

ClinVar aggregate classification (germline): Conflicting classifications of pathogenicity. Review status: criteria provided, conflicting classifications (1 of 4 stars). 3 submissions from 3 submitters: Uncertain significance (1); Likely benign (1). 1 of the submissions does not count toward it. Last evaluated 2026-01-11.

Conditions:
COL11A1-related disorder. Also called: COL11A1-related disorders; COL11A1-related condition.
Inborn genetic diseases. Identifiers: MedGen C0950123, MeSH D030342.

Allele frequency attached by ClinVar (database versions not stated): gnomAD 0.00005; 1000 Genomes Project 30x 0.00016; 1000 Genomes Project 0.00020.
gnomAD v4.1: 12 of 1,612,856 alleles (0.00074%); highest among the groups gnomAD compares: African/African-American, 0.016%; no homozygotes.

Submissions (3):

Labcorp Genetics (formerly Invitae), Labcorp
Classification: Likely benign. Last evaluated: 2026-01-11. Review status: criteria provided, single submitter. Criteria: Invitae Variant Classification Sherloc (09022015). Collection method: clinical testing. Allele origin: germline.

Ambry Genetics
Classification: Uncertain significance for Inborn genetic diseases. Last evaluated: 2021-08-17. Review status: criteria provided, single submitter. Criteria: Ambry Variant Classification Scheme 2023. Collection method: clinical testing. Allele origin: germline.

PreventionGenetics, part of Exact Sciences
Classification: Uncertain significance for COL11A1-related condition. Last evaluated: 2024-08-15. Review status: no assertion criteria provided. Collection method: clinical testing. Allele origin: germline. Not counted in ClinVar's aggregate classification.
Comment: The COL11A1 c.4508C>G variant is predicted to result in the amino acid substitution p.Pro1503Arg. To our knowledge, this variant has not been reported in the literature. This variant is reported in 0.024% of alleles in individuals of African descent in gnomAD. At this time, the clinical significance of this variant is uncertain due to the absence of conclusive functional and genetic evidence.